The following is an entry in ClinVar:

NM_002691.4(POLD1):c.590-6C>G

Gene: POLD1 (DNA polymerase delta 1, catalytic subunit; plus strand). Cytogenetic location: 19q13.33.
Variant type: single nucleotide variant.
Coding change: c.590-6C>G on transcript NM_002691.4 (MANE Select); 6 bases into the intron before coding-DNA position 590, C replaced by G.
Molecular consequence: intron variant.
Genome position (GRCh38, 1-based): chr19:50,402,199, C>G. VCF-style: chr19-50402199-C-G. GRCh37 (hg19) VCF-style: chr19-50905456-C-G.
Other names: c.590-6C>G (LRG_785t2, NM_001256849.1, NM_001308632.1 and 1 more transcripts).
Identifiers: ClinVar variation 414742 (VCV000414742.14), dbSNP rs750984038, ClinGen allele CA9595827.

ClinVar aggregate classification (germline): Conflicting classifications of pathogenicity. Review status: criteria provided, conflicting classifications (1 of 4 stars). 2 submissions from 2 submitters: Uncertain significance (1); Likely benign (1). Last evaluated 2025-09-03.

Conditions:
POLD1-related polyposis and colorectal cancer syndrome (CRCS10). Also called: Colorectal cancer, susceptibility to, 10; Colorectal cancer 10; COLORECTAL CANCER, SUSCEPTIBILITY TO, ON CHROMOSOME 19q. Identifiers: Orphanet 220460, MedGen C2675481, MONDO:0012953, OMIM 612591.

Allele frequency attached by ClinVar (database versions not stated): gnomAD exomes 0.00001 and 0.00002; ExAC 0.00002.
gnomAD v4.1: 24 of 1,583,976 alleles (0.0015%); highest among the groups gnomAD compares: Non-Finnish European, 0.002%; no homozygotes.

Submissions (2):

Labcorp Genetics (formerly Invitae), Labcorp
Classification: Likely benign for POLD1-related polyposis and colorectal cancer syndrome. Last evaluated: 2025-09-03. Review status: criteria provided, single submitter. Criteria: Invitae Variant Classification Sherloc (09022015). Collection method: clinical testing. Allele origin: germline.

GeneDx
Classification: Uncertain significance. Last evaluated: 2023-12-19. Review status: criteria provided, single submitter. Criteria: GeneDx Variant Classification Process June 2021. Collection method: clinical testing. Allele origin: germline. Affected: yes.
Comment: Not observed at significant frequency in large population cohorts (gnomAD); In silico analysis supports that this variant does not alter splicing; Has not been previously published as pathogenic or benign to our knowledge